The following is an entry in ClinVar:

NM_007294.4(BRCA1):c.3010G>A (p.Glu1004Lys)

Gene: BRCA1 (BRCA1 DNA repair associated; minus strand). Cytogenetic location: 17q21.31.
Variant type: single nucleotide variant.
Coding change: c.3010G>A on transcript NM_007294.4 (MANE Select); coding-DNA position 3010, G replaced by A.
Protein change: p.Glu1004Lys; replaces glutamic acid 1004 with lysine.
Molecular consequence: missense variant. On other transcripts: intron variant (137).
Genome position (GRCh38, 1-based): chr17:43,092,521, C>T on the plus strand (G>A on the coding strand, the complement: BRCA1 is on the minus strand). VCF-style: chr17-43092521-C-T. GRCh37 (hg19) VCF-style: chr17-41244538-C-T.
Other names: c.2746G>A, p.Glu916Lys (NM_001407928.1, NM_001407929.1, NM_001407933.1 and 9 more transcripts); c.2743G>A, p.Glu915Lys (NM_001407930.1, NM_001407931.1, NM_001407932.1 and 2 more transcripts); c.2887G>A, p.Glu963Lys (NM_001407937.1, NM_001407938.1, NM_001407939.1 and 19 more transcripts); c.2797G>A, p.Glu933Lys (NM_001407571.1, NM_001407853.1, NM_001407894.1 and 9 more transcripts); c.3010G>A, p.Glu1004Lys (NM_001407581.1, NM_001407582.1, NM_001407583.1 and 30 more transcripts); c.2884G>A, p.Glu962Lys (NM_001407940.1, NM_001407941.1, NM_001407649.1 and 11 more transcripts); c.2869G>A, p.Glu957Lys (NM_001407942.1, NM_001407944.1, NM_001407945.1 and 29 more transcripts); c.3007G>A, p.Glu1003Lys (NM_001407587.1, NM_001407590.1, NM_001407591.1 and 22 more transcripts); and 41 more; short protein forms E957K, E1004K, E876K, E893K, E934K, E936K, E956K, E978K.
Identifiers: ClinVar variation 926126 (VCV000926126.5), dbSNP rs786202534, ClinGen allele CA10595976.

ClinVar aggregate classification (germline): Conflicting classifications of pathogenicity. Review status: criteria provided, conflicting classifications (1 of 4 stars). 2 submissions from 2 submitters: Uncertain significance (1); Likely benign (1). Last evaluated 2023-03-23.

Conditions:
Hereditary cancer-predisposing syndrome. Also called: Neoplastic Syndromes, Hereditary; Tumor predisposition; Hereditary Cancer Syndrome; Hereditary neoplastic syndrome. Identifiers: Orphanet 140162, MedGen C0027672, MeSH D009386, MONDO:0015356.

Submissions (2):

University of Washington Department of Laboratory Medicine, University of Washington
Classification: Likely benign for Hereditary cancer-predisposing syndrome. Last evaluated: 2023-03-23. Review status: criteria provided, single submitter. Criteria: Dines et al. (Genet Med. 2020). Collection method: curation. Allele origin: germline.
Comment: Missense variant in a coldspot region where missense variants are very unlikely to be pathogenic (PMID:31911673).

BRCA1 coldspot (exon 11 using historical exon numbering). Reclassification based on statistical prior probability

Color Diagnostics, LLC DBA Color Health
Classification: Uncertain significance for Hereditary cancer-predisposing syndrome. Last evaluated: 2019-04-08. Review status: criteria provided, single submitter. Criteria: ACMG Guidelines, 2015. Collection method: clinical testing. Allele origin: germline.